The following is an entry in ClinVar:

NM_145331.3(MAP3K7):c.1211-10_1211-9del

Gene: MAP3K7 (mitogen-activated protein kinase kinase kinase 7; minus strand). Cytogenetic location: 6q15.
Variant type: Microsatellite.
Coding change: c.1211-10_1211-9del on transcript NM_145331.3 (MANE Select); 10 bases into the intron before coding-DNA position 1211 through 9 bases into the intron before coding-DNA position 1211, 2 bases deleted (GT; older notation c.1211-10_1211-9delGT).
Molecular consequence: intron variant.
Genome position (GRCh38, 1-based): chr6:90,544,641-90,544,642, AC deleted on the plus strand (GT on the coding strand, the reverse complement: MAP3K7 is on the minus strand); deleting any 2 consecutive bases within chr6:90,544,641-90,544,645 gives the same sequence; the c. name uses the placement nearest the transcript's 3' end. VCF-style (leftmost placement, unchanged base first): chr6-90544640-AAC-A. GRCh37 (hg19) VCF-style: chr6-91254359-AAC-A.
Other names: c.1210+2616_1210+2617del (NM_145333.3, NM_003188.4); c.1211-10_1211-9del (NM_145332.3, NM_145331.2).
Identifiers: ClinVar variation 714317 (VCV000714317.11), dbSNP rs548190259, ClinGen allele CA3928419.

ClinVar aggregate classification (germline): Benign. Review status: criteria provided, single submitter (1 of 4 stars). 2 submissions from 2 submitters: Benign (1). 1 of the submissions does not count toward it. Last evaluated 2025-12-20.

Conditions:
MAP3K7-related disorder.

Submissions (2):

Labcorp Genetics (formerly Invitae), Labcorp
Classification: Benign. Last evaluated: 2025-12-20. Review status: criteria provided, single submitter. Criteria: Invitae Variant Classification Sherloc (09022015). Collection method: clinical testing. Allele origin: germline.

PreventionGenetics, part of Exact Sciences
Classification: Benign for MAP3K7-related condition. Last evaluated: 2019-05-22. Review status: no assertion criteria provided. Collection method: clinical testing. Allele origin: germline. Not counted in ClinVar's aggregate classification.
Comment: This variant is classified as benign based on ACMG/AMP sequence variant interpretation guidelines (Richards et al. 2015 PMID: 25741868, with internal and published modifications).